The following is an entry in ClinVar:

NM_006767.4(LZTR1):c.1673A>C (p.Gln558Pro)

Gene: LZTR1 (leucine zipper like post translational regulator 1; plus strand). Cytogenetic location: 22q11.21.
Variant type: single nucleotide variant.
Coding change: c.1673A>C on transcript NM_006767.4 (MANE Select); coding-DNA position 1673, A replaced by C.
Protein change: p.Gln558Pro; replaces glutamine 558 with proline.
Molecular consequence: missense variant.
Genome position (GRCh38, 1-based): chr22:20,994,615, A>C. VCF-style: chr22-20994615-A-C. GRCh37 (hg19) VCF-style: chr22-21348904-A-C.
Other names: c.1673A>C (NM_006767.3); short protein forms Q558P.
Identifiers: ClinVar variation 3703671 (VCV003703671.3).
Genomic context (GRCh38, chr22:20,994,615, plus strand): 5'-CAGGCCATGTGGAGGATGTGCTGCTCATCATGGATGTGTACAAACTGGCACTGAGCTTCC[A>C]GTTGTGCCGCCTGGAGCAGCTGTGCCGCCAGTACATCGAGGCCTCCGTGGACCTGCAGAA-3'
Protein context (NP_006758.2, residues 548-568): MDVYKLALSF[Gln558Pro]LCRLEQLCRQ

ClinVar aggregate classification (germline): Uncertain significance. Review status: criteria provided, multiple submitters, no conflicts (2 of 4 stars). 2 submissions from 2 submitters: Uncertain significance (2). Last evaluated 2025-11-18.

Conditions:
Cardiovascular phenotype. Identifiers: MedGen CN230736.
Hereditary cancer-predisposing syndrome. Also called: Hereditary neoplastic syndrome; Tumor predisposition; Hereditary Cancer Syndrome; Neoplastic Syndromes, Hereditary. Identifiers: Orphanet 140162, MedGen C0027672, MeSH D009386, MONDO:0015356.

Submissions (2):

Ambry Genetics
Classification: Uncertain significance for Cardiovascular phenotype; Hereditary cancer-predisposing syndrome. Last evaluated: 2025-11-18. Review status: criteria provided, single submitter. Criteria: Ambry Variant Classification Scheme 2023. Collection method: clinical testing. Allele origin: germline.
Comment: The p.Q558P variant (also known as c.1673A>C), located in coding exon 15 of the LZTR1 gene, results from an A to C substitution at nucleotide position 1673. The glutamine at codon 558 is replaced by proline, an amino acid with similar properties. This amino acid position is conserved. In addition, the in silico prediction for this alteration is inconclusive. Based on the available evidence, the clinical significance of this variant remains unclear.

Labcorp Genetics (formerly Invitae), Labcorp
Classification: Uncertain significance. Last evaluated: 2024-11-05. Review status: criteria provided, single submitter. Criteria: Invitae Variant Classification Sherloc (09022015). Collection method: clinical testing. Allele origin: germline.
Comment: This sequence change replaces glutamine, which is neutral and polar, with proline, which is neutral and non-polar, at codon 558 of the LZTR1 protein (p.Gln558Pro). This variant is not present in population databases (gnomAD no frequency). This variant has not been reported in the literature in individuals affected with LZTR1-related conditions. Invitae Evidence Modeling of protein sequence and biophysical properties (such as structural, functional, and spatial information, amino acid conservation, physicochemical variation, residue mobility, and thermodynamic stability) indicates that this missense variant is not expected to disrupt LZTR1 protein function with a negative predictive value of 80%. In summary, the available evidence is currently insufficient to determine the role of this variant in disease. Therefore, it has been classified as a Variant of Uncertain Significance.